The following is an entry in ClinVar:

NM_001374828.1(ARID1B):c.621_622insGAGCAG (p.Gln207_Gln208insGluGln)

Genes: ARID1B (AT-rich interaction domain 1B; plus strand), LOC115308161 (uncharacterized LOC115308161; minus strand). Cytogenetic location: 6q25.3.
Variant type: Insertion.
Coding change: c.621_622insGAGCAG on transcript NM_001374828.1 (MANE Select); coding-DNA positions 621 to 622, GAGCAG inserted.
Protein change: p.Gln207_Gln208insGluGln.
Molecular consequence: inframe insertion. On other transcripts: non-coding transcript variant (1).
Genome position: GRCh38 VCF-style: chr6-156778296-C-CAGCAGG. GRCh37 (hg19) VCF-style: chr6-157099430-C-CAGCAGG.
Other names: c.621_622insGAGCAG, p.Gln207_Gln208insGluGln (NM_001371656.1, NM_001374820.1, NM_017519.3).
Identifiers: ClinVar variation 3390046 (VCV003390046.14).

ClinVar aggregate classification (germline): Uncertain significance (1 of 4 stars; one submission).

Submission:

CeGaT Center for Human Genetics Tuebingen
Classification: Uncertain significance. Last evaluated: 2024-11-01. Review status: criteria provided, single submitter. Criteria: CeGaT Center For Human Genetics Tuebingen Variant Classification Criteria Version 2. Collection method: clinical testing. Allele origin: germline. Affected: yes. Observed: 1 variant allele.
Comment: ARID1B: PM2, BP3